The following is an entry in ClinVar:

ClinVar aggregate classification (germline): Conflicting classifications of pathogenicity. Review status: criteria provided, conflicting classifications (1 of 4 stars). 7 submissions from 7 submitters: Uncertain significance (1); Likely benign (6). Last evaluated 2026-07-01.

Conditions:
Inborn genetic diseases. Identifiers: MedGen C0950123, MeSH D030342.
Hypokalemic periodic paralysis, type 1. Also called: HypoPP; Hypokalemic Periodic Paralysis Type 1 (AD). Identifiers: Orphanet 681, MedGen C3714580, MONDO:0042979, OMIM 170400.
Malignant hyperthermia, susceptibility to, 5 (MHS5). Also called: CACNA1S-Related Malignant Hyperthermia Susceptibility. Identifiers: Orphanet 423, MedGen C1866077, MONDO:0011163, OMIM 601887.

Allele frequency attached by ClinVar (database versions not stated): ESP Exome Variant Server 0.00008.

Submissions (7):

Ambry Genetics
Classification: Likely benign for Inborn genetic diseases. Last evaluated: 2026-07-01. Review status: criteria provided, single submitter. Criteria: Ambry Variant Classification Scheme 2023. Collection method: clinical testing. Allele origin: germline.

CeGaT Center for Human Genetics Tuebingen
Classification: Likely benign. Last evaluated: 2025-07-01. Review status: criteria provided, single submitter. Criteria: CeGaT Center For Human Genetics Tuebingen Variant Classification Criteria Version 2. Collection method: clinical testing. Allele origin: germline. Affected: yes. Observed: 2 variant alleles.
Comment: CACNA1S: BP4, BP7

Labcorp Genetics (formerly Invitae), Labcorp
Classification: Likely benign for Hypokalemic periodic paralysis, type 1; Malignant hyperthermia, susceptibility to, 5. Last evaluated: 2025-06-04. Review status: criteria provided, single submitter. Criteria: Invitae Variant Classification Sherloc (09022015). Collection method: clinical testing. Allele origin: germline.

All of Us Research Program, National Institutes of Health
Classification: Likely benign for Malignant hyperthermia, susceptibility to, 5. Last evaluated: 2023-11-30. Review status: criteria provided, single submitter. Criteria: ACMG Guidelines, 2015. Collection method: clinical testing. Allele origin: germline. Inheritance: Autosomal dominant inheritance. Observed: 6 variant alleles, 6 heterozygotes.
Comment: This study involves interpretation of variants in research participants for the purpose of population health screening. Participant phenotype was not available at the time of variant classification. Additional details can be found in publication PMID: 35346344, PMCID: PMC8962531

Color Diagnostics, LLC DBA Color Health
Classification: Likely benign for Malignant hyperthermia, susceptibility to, 5. Last evaluated: 2022-10-20. Review status: criteria provided, single submitter. Criteria: ACMG Guidelines, 2015. Collection method: clinical testing. Allele origin: germline.

Blueprint Genetics
Classification: Likely benign. Last evaluated: 2020-07-27. Review status: criteria provided, single submitter. Criteria: ACMG Guidelines, 2015. Collection method: clinical testing. Allele origin: germline.

Illumina Laboratory Services, Illumina
Classification: Uncertain significance for Hypokalemic periodic paralysis, type 1. Last evaluated: 2018-02-02. Review status: criteria provided, single submitter. Criteria: ICSL Variant Classification Criteria 13 December 2019. Collection method: clinical testing. Allele origin: germline.

NM_000069.3(CACNA1S):c.744G>C (p.Thr248=)

Gene: CACNA1S (calcium voltage-gated channel subunit alpha1 S; minus strand). Cytogenetic location: 1q32.1.
Variant type: single nucleotide variant.
Coding change: c.744G>C on transcript NM_000069.3 (MANE Select); coding-DNA position 744, G replaced by C.
Protein change: p.Thr248=; no amino-acid change (threonine 248 retained).
Molecular consequence: synonymous variant.
Genome position (GRCh38, 1-based): chr1:201,089,414, C>G on the plus strand (G>C on the coding strand, the complement: CACNA1S is on the minus strand). VCF-style: chr1-201089414-C-G. GRCh37 (hg19) VCF-style: chr1-201058542-C-G.
Identifiers: ClinVar variation 754960 (VCV000754960.57), dbSNP rs373609219, ClinGen allele CA083984.